The following is an entry in ClinVar:

NM_003072.5(SMARCA4):c.4387A>C (p.Lys1463Gln)

Gene: SMARCA4 (SWI/SNF related BAF chromatin remodeling complex subunit ATPase 4; plus strand). Cytogenetic location: 19p13.2.
Variant type: single nucleotide variant.
Coding change: c.4387A>C on transcript NM_003072.5 (MANE Select); coding-DNA position 4387, A replaced by C.
Protein change: p.Lys1463Gln; replaces lysine 1463 with glutamine.
Molecular consequence: missense variant. On other transcripts: non-coding transcript variant (1).
Genome position (GRCh38, 1-based): chr19:11,041,523, A>C. VCF-style: chr19-11041523-A-C. GRCh37 (hg19) VCF-style: chr19-11152199-A-C.
Other names: c.4387A>C, p.Lys1463Gln (NM_001128844.3); c.4297A>C, p.Lys1433Gln (NM_001128845.2, NM_001128846.2); c.4288A>C, p.Lys1430Gln (NM_001128847.4, NM_001128848.2, NM_001374457.1); c.4483A>C, p.Lys1495Gln (NM_001128849.3, NM_001387283.1); c.4384A>C, p.Lys1462Gln (NM_001411150.1); short protein forms K1433Q, K1462Q, K1463Q, K1495Q, K1430Q.
Identifiers: ClinVar variation 4549280 (VCV004549280.1).

ClinVar aggregate classification (germline): Uncertain significance (1 of 4 stars; one submission).

Conditions:
Hereditary cancer-predisposing syndrome. Also called: Tumor predisposition; Hereditary Cancer Syndrome; Hereditary neoplastic syndrome; Neoplastic Syndromes, Hereditary. Identifiers: Orphanet 140162, MedGen C0027672, MeSH D009386, MONDO:0015356.

Submission:

Ambry Genetics
Classification: Uncertain significance for Hereditary cancer-predisposing syndrome. Last evaluated: 2025-09-28. Review status: criteria provided, single submitter. Criteria: Ambry Variant Classification Scheme 2023. Collection method: clinical testing. Allele origin: germline.
Comment: The p.K1495Q variant (also known as c.4483A>C), located in coding exon 30 of the SMARCA4 gene, results from an A to C substitution at nucleotide position 4483. The lysine at codon 1495 is replaced by glutamine, an amino acid with similar properties. This amino acid position is conserved. In addition, this alteration is predicted to be tolerated by in silico analysis. Based on the available evidence, the clinical significance of this variant remains unclear.